The following is an entry in ClinVar:

NM_058216.3(RAD51C):c.362C>G (p.Thr121Arg)

Gene: RAD51C (RAD51 paralog C; plus strand). Cytogenetic location: 17q22.
Variant type: single nucleotide variant.
Coding change: c.362C>G on transcript NM_058216.3 (MANE Select); coding-DNA position 362, C replaced by G.
Protein change: p.Thr121Arg; replaces threonine 121 with arginine.
Molecular consequence: missense variant. On other transcripts: non-coding transcript variant (2).
Genome position (GRCh38, 1-based): chr17:58,695,147, C>G. VCF-style: chr17-58695147-C-G. GRCh37 (hg19) VCF-style: chr17-56772508-C-G.
Other names: c.362C>G, p.Thr121Arg (NM_002876.4); short protein forms T121R.
Identifiers: ClinVar variation 4294212 (VCV004294212.1).

ClinVar aggregate classification (germline): Likely pathogenic (1 of 4 stars; one submission).

Conditions:
Breast-ovarian cancer, familial, susceptibility to, 3. Also called: RAD51C-Related Breast/Ovarian Cancer. Identifiers: Orphanet 145, MedGen C3150659, MONDO:0013253, OMIM 613399.

Submission:

Myriad Genetics, Inc.
Classification: Likely pathogenic for Breast-ovarian cancer, familial, susceptibility to, 3. Last evaluated: 2025-08-12. Review status: criteria provided, single submitter. Criteria: Myriad Autosomal Dominant, Autosomal Recessive and X-Linked Classification Criteria (2023). Collection method: clinical testing. Allele origin: unknown.
Comment: This variant is considered likely pathogenic. Functional studies indicate this variant impacts protein function [PMID: 39299233, 36099300]. This variant is expected to disrupt protein structure [Myriad internal data].

Literature cited by the submitters: PubMed 39299233; PubMed 36099300.